The following is an entry in ClinVar:

ClinVar aggregate classification (germline): Benign. Review status: criteria provided, multiple submitters, no conflicts (2 of 4 stars). 3 submissions from 3 submitters: Benign (3). Last evaluated 2018-06-14.

Allele frequency attached by ClinVar (database versions not stated): gnomAD 0.29727; 1000 Genomes Project 30x 0.35275; TOPMed 0.28446; 1000 Genomes Project 0.36182; ESP Exome Variant Server 0.25169.

Submissions (3):

GeneDx
Classification: Benign. Last evaluated: 2018-06-14. Review status: criteria provided, single submitter. Criteria: GeneDx Variant Classification (06012015). Collection method: clinical testing. Allele origin: germline. Affected: yes.
Comment: This variant is considered likely benign or benign based on one or more of the following criteria: it is a conservative change, it occurs at a poorly conserved position in the protein, it is predicted to be benign by multiple in silico algorithms, and/or has population frequency not consistent with disease.

Breakthrough Genomics
Classification: Benign. Review status: criteria provided, single submitter. Criteria: ACMG Guidelines, 2015. Collection method: not provided. Allele origin: germline. Inheritance: Autosomal recessive inheritance. Affected: yes.

PreventionGenetics, part of Exact Sciences
Classification: Benign. Review status: criteria provided, single submitter. Criteria: ACMG Guidelines, 2015. Collection method: clinical testing. Allele origin: germline.

NM_001044385.3(TMEM237):c.1037+49C>T

Gene: TMEM237 (transmembrane protein 237; minus strand). Cytogenetic location: 2q33.1.
Variant type: single nucleotide variant.
Coding change: c.1037+49C>T on transcript NM_001044385.3 (MANE Select); 49 bases into the intron after coding-DNA position 1037, C replaced by T.
Molecular consequence: intron variant.
Genome position (GRCh38, 1-based): chr2:201,627,272, G>A on the plus strand (C>T on the coding strand, the complement: TMEM237 is on the minus strand). VCF-style: chr2-201627272-G-A. GRCh37 (hg19) VCF-style: chr2-202491995-G-A.
Other names: c.1013+49C>T (NM_152388.4).
Identifiers: ClinVar variation 257314 (VCV000257314.3), dbSNP rs2540450, ClinGen allele CA2056316.